The following is an entry in ClinVar:

ClinVar aggregate classification (germline): Uncertain significance (1 of 4 stars; one submission).

Allele frequency attached by ClinVar (database versions not stated): gnomAD exomes below 0.00001.
gnomAD v4.1: 1 of 1,551,652 alleles (0.000064%); highest among the groups gnomAD compares: Non-Finnish European, 0.000087%; no homozygotes.

Submission:

GeneDx
Classification: Uncertain significance. Last evaluated: 2023-03-28. Review status: criteria provided, single submitter. Criteria: GeneDx Variant Classification Process June 2021. Collection method: clinical testing. Allele origin: germline. Affected: yes.
Comment: Not observed at significant frequency in large population cohorts (gnomAD); In silico analysis supports that this variant does not alter splicing; Has not been previously published as pathogenic or benign to our knowledge; Reported using an alternate transcript of the gene

NM_001134673.4(NFIA):c.1496T>C (p.Ile499Thr)

Gene: NFIA (nuclear factor I A; plus strand). Cytogenetic location: 1p31.3.
Variant type: single nucleotide variant.
Coding change: c.1496T>C on transcript NM_001134673.4 (MANE Select); coding-DNA position 1496, T replaced by C.
Protein change: p.Ile499Thr; replaces isoleucine 499 with threonine.
Molecular consequence: missense variant. On other transcripts: intron variant (1).
Genome position (GRCh38, 1-based): chr1:61,426,540, T>C. VCF-style: chr1-61426540-T-C. GRCh37 (hg19) VCF-style: chr1-61892212-T-C.
Other names: c.1472T>C, p.Ile491Thr (NM_001145511.2); c.1631T>C, p.Ile544Thr (NM_001145512.2); c.1420+19813T>C (NM_005595.5); short protein forms I491T, I499T, I544T.
Identifiers: ClinVar variation 2582092 (VCV002582092.1), dbSNP rs1666879699, ClinGen allele CA340587676.